The following is an entry in ClinVar:

NM_017841.4(SDHAF2):c.184T>C (p.Ser62Pro)

Gene: SDHAF2 (succinate dehydrogenase complex assembly factor 2; plus strand). Cytogenetic location: 11q12.2.
Variant type: single nucleotide variant.
Coding change: c.184T>C on transcript NM_017841.4 (MANE Select); coding-DNA position 184, T replaced by C.
Protein change: p.Ser62Pro; replaces serine 62 with proline.
Molecular consequence: missense variant.
Genome position (GRCh38, 1-based): chr11:61,437,772, T>C. VCF-style: chr11-61437772-T-C. GRCh37 (hg19) VCF-style: chr11-61205244-T-C.
Other names: short protein forms S62P.
Identifiers: ClinVar variation 2116356 (VCV002116356.4), dbSNP rs1590764849, ClinGen allele CA380683519.
Genomic context (GRCh38, chr11:61,437,772, plus strand): 5'-GATTCCCAAAAGGACATGATTGAAATCCCTTTGCCTCCATGGCAGGAGAGAACTGATGAA[T>C]CCATAGAAACCAAAAGAGCCCGCCTGCTCTATGAGAGCAGAAAGAGGGGAATGTTGGAAA-3'
Protein context (NP_060311.1, residues 52-72): LPPWQERTDE[Ser62Pro]IETKRARLLY

ClinVar aggregate classification (germline): Uncertain significance (1 of 4 stars; one submission).

Conditions:
Hereditary pheochromocytoma and paraganglioma. Also called: Hereditary paragangliomas and pheochromocytomas; Hereditary Paraganglioma-Pheochromocytoma Syndromes; Hereditary pheochromocytoma-paraganglioma. Identifiers: Orphanet 29072, MedGen C4274332, MONDO:0017366.

Submission:

Labcorp Genetics (formerly Invitae), Labcorp
Classification: Uncertain significance for Hereditary pheochromocytoma and paraganglioma. Last evaluated: 2022-03-23. Review status: criteria provided, single submitter. Criteria: Invitae Variant Classification Sherloc (09022015). Collection method: clinical testing. Allele origin: germline.
Comment: Algorithms developed to predict the effect of missense changes on protein structure and function output the following: SIFT: "Tolerated"; PolyPhen-2: "Benign"; Align-GVGD: "Class C0". The proline amino acid residue is found in multiple mammalian species, which suggests that this missense change does not adversely affect protein function. In summary, the available evidence is currently insufficient to determine the role of this variant in disease. Therefore, it has been classified as a Variant of Uncertain Significance. This variant has not been reported in the literature in individuals affected with SDHAF2-related conditions. This variant is not present in population databases (gnomAD no frequency). This sequence change replaces serine, which is neutral and polar, with proline, which is neutral and non-polar, at codon 62 of the SDHAF2 protein (p.Ser62Pro).